The following is an entry in ClinVar:

ClinVar aggregate classification (germline): not provided (0 of 4 stars; one submission).

Conditions:
Large for gestational age. Identifiers: MedGen C1848395, HP:0001520.

Submission:

Institute of Molecular and Cell Biology, University of Tartu
No classification provided. Condition: Large for gestational age. Review status: no classification provided. Collection method: case-control. Allele origin: unknown. Affected: yes. Study: Kasak2014.
Comment: The study aimed to determine the contribution of copy number variants in the genetic etiology of normal and complicated pregnancies. The samples represented (i) maternal blood DNA drawn from healthy pregnant women during 1st or 2nd trimester and (ii) maternal and paternal blood DNA drawn at term pregnancy cases representing normal and complicated gestations (severe preeclampsia, PE; gestational diabetes, GD; small-for-gestational age newborn, SGA; large-for-gestational age newborn, LGA). We performed CNV calling based on genome-wide genotyping dataset (Illumina HumanOmniExpress-24-v1 BeadChip) by applying three algorithms, QuantiSNP, GADA (Genome Alteration Detection Algorithm) and CNstream in parallel. The acquired CNV calls were merged with HD-CNV (Hotspot Detector for Copy Number Variants) program and only the CNVs predicted by at least two programs, were considered in subsequent analysis.

Literature cited by the submitters: PubMed 25666259.

Single allele

Genes: AGBL4 (AGBL carboxypeptidase 4; minus strand), AGBL4-IT1 (AGBL4 intronic transcript 1; minus strand). Cytogenetic location: 1p33.
Variant type: Deletion.
Identifiers: ClinVar variation 156737 (VCV000156737.2).